The following is an entry in ClinVar:

NM_000038.6(APC):c.3245C>T (p.Thr1082Ile)

Gene: APC (APC regulator of Wnt signaling pathway; plus strand). Cytogenetic location: 5q22.2.
Variant type: single nucleotide variant.
Coding change: c.3245C>T on transcript NM_000038.6 (MANE Select); coding-DNA position 3245, C replaced by T.
Protein change: p.Thr1082Ile; replaces threonine 1082 with isoleucine.
Molecular consequence: missense variant.
Genome position (GRCh38, 1-based): chr5:112,838,839, C>T. VCF-style: chr5-112838839-C-T. GRCh37 (hg19) VCF-style: chr5-112174536-C-T.
Other names: c.3245C>T, p.Thr1082Ile (NM_001127510.3, NM_001354895.2); c.3191C>T, p.Thr1064Ile (NM_001127511.3); c.3299C>T, p.Thr1100Ile (NM_001354896.2); c.3275C>T, p.Thr1092Ile (NM_001354897.2); c.3170C>T, p.Thr1057Ile (NM_001354898.2); c.3161C>T, p.Thr1054Ile (NM_001354899.2); c.3122C>T, p.Thr1041Ile (NM_001354900.2); c.3068C>T, p.Thr1023Ile (NM_001354901.2); and 5 more; short protein forms T1082I, T1064I, T1023I, T1041I, T799I, T981I, T1054I, T922I.
Identifiers: ClinVar variation 411373 (VCV000411373.12), dbSNP rs730881244, ClinGen allele CA16028453.

ClinVar aggregate classification (germline): Uncertain significance. Review status: criteria provided, multiple submitters, no conflicts (2 of 4 stars). 2 submissions from 2 submitters: Uncertain significance (2). Last evaluated 2023-01-10.

Conditions:
Familial adenomatous polyposis 1 (FAP1). Also called: FAMILIAL ADENOMATOUS POLYPOSIS 1, ATTENUATED; POLYPOSIS, ADENOMATOUS INTESTINAL. Identifiers: MedGen C2713442, MONDO:0021056, OMIM 175100. Disease mechanism: loss of function.
Hereditary cancer-predisposing syndrome. Also called: Tumor predisposition; Hereditary Cancer Syndrome; Hereditary neoplastic syndrome; Neoplastic Syndromes, Hereditary. Identifiers: Orphanet 140162, MedGen C0027672, MeSH D009386, MONDO:0015356.

gnomAD v4.1: 1 of 1,614,042 alleles (0.000062%); highest among the groups gnomAD compares: East Asian, 0.0022%; no homozygotes.

Submissions (2):

Ambry Genetics
Classification: Uncertain significance for Hereditary cancer-predisposing syndrome. Last evaluated: 2023-01-10. Review status: criteria provided, single submitter. Criteria: Ambry Variant Classification Scheme 2023. Collection method: clinical testing. Allele origin: germline.
Comment: The p.T1082I variant (also known as c.3245C>T), located in coding exon 15 of the APC gene, results from a C to T substitution at nucleotide position 3245. The threonine at codon 1082 is replaced by isoleucine, an amino acid with similar properties. This amino acid position is not well conserved in available vertebrate species. In addition, in silico predictors for this gene do not accurately predict pathogenicity. Since supporting evidence is limited at this time, the clinical significance of this alteration remains unclear.

Labcorp Genetics (formerly Invitae), Labcorp
Classification: Uncertain significance for Familial adenomatous polyposis 1. Last evaluated: 2016-12-04. Review status: criteria provided, single submitter. Criteria: Invitae Variant Classification Sherloc (09022015). Collection method: clinical testing. Allele origin: germline.
Comment: In summary, this variant is a novel missense change with uncertain impact on protein function. It has been classified as a Variant of Uncertain Significance. Algorithms developed to predict the effect of missense changes on protein structure and function do not agree on the potential impact of this missense change (SIFT: "Deleterious"; PolyPhen-2: "Benign"; Align-GVGD: "Class C0"). This variant is not present in population databases (ExAC no frequency) and has not been reported in the literature in individuals with an APC-related disease. This sequence change replaces threonine with isoleucine at codon 1082 of the APC protein (p.Thr1082Ile). The threonine residue is moderately conserved and there is a moderate physicochemical difference between threonine and isoleucine.